The following is an entry in ClinVar:

ClinVar aggregate classification (germline): Uncertain significance. Review status: criteria provided, multiple submitters, no conflicts (2 of 4 stars). 11 submissions from 11 submitters: Uncertain significance (10). 1 of the submissions does not count toward it. Last evaluated 2026-05-06.

Conditions:
MYBPC3-related disorder. Also called: MYBPC3-related disorders; MYBPC3-related condition; MYBPC3-related disease.
Hypertrophic cardiomyopathy 4. Also called: Familial hypertrophic cardiomyopathy 4. Identifiers: MedGen C1861862, MONDO:0007268, OMIM 115197.
Left ventricular noncompaction 10 (LVNC10). Identifiers: Orphanet 154, Orphanet 54260, MedGen C3715165, MONDO:0014163, OMIM 615396.
Cardiovascular phenotype. Identifiers: MedGen CN230736.
Cardiomyopathy (CMYO). Also called: Cardiomyopathies. Identifiers: Orphanet 167848, MedGen C0878544, MONDO:0004994, HP:0001638. Inheritance: Various modes of inheritance.
Hypertrophic cardiomyopathy. Also called: HYPERTROPHIC MYOCARDIOPATHY. Identifiers: Orphanet 217569, MedGen C0007194, MeSH D002312, MONDO:0005045, HP:0001639.

Allele frequency attached by ClinVar (database versions not stated): gnomAD 0.00005 and 0.00006; ESP Exome Variant Server 0.00008; TOPMed 0.00008; 1000 Genomes Project 30x 0.00016; 1000 Genomes Project 0.00020.
gnomAD v4.1: 36 of 1,613,864 alleles (0.0022%); highest among the groups gnomAD compares: Middle Eastern, 0.016%; no homozygotes.

Submissions (11):

PreventionGenetics, part of Exact Sciences
Classification: Uncertain significance for MYBPC3-related condition. Last evaluated: 2026-05-06. Review status: criteria provided, single submitter. Criteria: ACMG Guidelines, 2015. Collection method: clinical testing. Allele origin: germline.
Comment: The MYBPC3 c.3569G>A variant is predicted to result in the amino acid substitution p.Arg1190His. This variant has been reported as a variant of uncertain significance in individuals with left ventricular noncompaction or hypertrophic cardiomyopathy (Table S3, Miszalski-Jamka et al. 2017. PubMed ID: 28798025; Table S2, Mazzarotto et al. 2021. PubMed ID: 33500567; Oktay et al. 2023. PubMed ID: 37466024). This variant is reported in 0.021% of alleles in individuals of African descent in gnomAD. At this time, the clinical significance of this variant is uncertain due to the absence of conclusive functional and genetic evidence.

Labcorp Genetics (formerly Invitae), Labcorp
Classification: Uncertain significance for Hypertrophic cardiomyopathy. Last evaluated: 2026-01-25. Review status: criteria provided, single submitter. Criteria: Invitae Variant Classification Sherloc (09022015). Collection method: clinical testing. Allele origin: germline.
Comment: This sequence change replaces arginine, which is basic and polar, with histidine, which is basic and polar, at codon 1190 of the MYBPC3 protein (p.Arg1190His). This variant is present in population databases (rs117354682, gnomAD 0.02%). This missense change has been observed in individual(s) with clinical features of MYBPC3-related conditions (PMID: 28798025, 33500567, 37466024, 37937776). ClinVar contains an entry for this variant (Variation ID: 42722). An algorithm developed to predict the effect of missense changes on protein structure and function (PolyPhen-2) suggests that this variant is likely to be disruptive. In summary, the available evidence is currently insufficient to determine the role of this variant in disease. Therefore, it has been classified as a Variant of Uncertain Significance.

Women's Health and Genetics/Laboratory Corporation of America, LabCorp
Classification: Uncertain significance. Last evaluated: 2025-06-23. Review status: criteria provided, single submitter. Criteria: LabCorp Variant Classification Summary - May 2015. Collection method: clinical testing. Allele origin: germline.
Comment: Variant summary: MYBPC3 c.3569G>A (p.Arg1190His) results in a non-conservative amino acid change in the encoded protein sequence. Algorithms developed to predict the effect of missense changes on protein structure and function are either unavailable or do not agree on the potential impact of this missense change. The variant allele was found at a frequency of 4.4e-05 in 248904 control chromosomes. This frequency is not significantly higher than estimated for a pathogenic variant in MYBPC3 causing Cardiomyopathy (4.4e-05 vs 0.001), allowing no conclusion about variant significance. c.3569G>A has been observed in individual(s) affected with Left Ventricular Noncompaction and Hypertrophic Cardiomyopathy (e.g. Miszalski-Jamka_2017, Oktay_2023). These report(s) do not provide unequivocal conclusions about association of the variant with Cardiomyopathy. To our knowledge, no experimental evidence demonstrating an impact on protein function has been reported. The following publications have been ascertained in the context of this evaluation (PMID: 28798025, 37466024). ClinVar contains an entry for this variant (Variation ID: 42722). Based on the evidence outlined above, the variant was classified as uncertain significance.

All of Us Research Program, National Institutes of Health
Classification: Uncertain significance for Hypertrophic cardiomyopathy. Last evaluated: 2024-07-10. Review status: criteria provided, single submitter. Criteria: ACMG Guidelines, 2015. Collection method: clinical testing. Allele origin: germline. Inheritance: Autosomal dominant inheritance. Observed: 9 variant alleles, 9 heterozygotes.
Comment: This missense variant replaces arginine with histidine at codon 1190 of the MYBPC3 protein. Computational prediction tools indicate that this variant's impact on protein structure and function is inconclusive. To our knowledge, functional studies have not been reported for this variant. This variant has been reported in an individual affected with hypertrophic cardiomyopathy (PMID: 37466024) and in an individual affected with left ventricular noncompaction (PMID: 28798025). This variant has been identified in 13/280282 chromosomes in the general population by the Genome Aggregation Database (gnomAD). The available evidence is insufficient to determine the role of this variant in disease conclusively. Therefore, this variant is classified as a Variant of Uncertain Significance.

This study involves interpretation of variants in research participants for the purpose of population health screening. Participant phenotype was not available at the time of variant classification. Additional details can be found in publication PMID: 35346344, PMCID: PMC8962531

Color Diagnostics, LLC DBA Color Health
Classification: Uncertain significance for Cardiomyopathy. Last evaluated: 2024-06-12. Review status: criteria provided, single submitter. Criteria: ACMG Guidelines, 2015. Collection method: clinical testing. Allele origin: germline.
Comment: This missense variant replaces arginine with histidine at codon 1190 of the MYBPC3 protein. Computational prediction tools indicate that this variant's impact on protein structure and function is inconclusive. To our knowledge, functional studies have not been reported for this variant. This variant has been reported in an individual affected with hypertrophic cardiomyopathy (PMID: 37466024) and in an individual affected with left ventricular noncompaction (PMID: 28798025). This variant has been identified in 13/280282 chromosomes in the general population by the Genome Aggregation Database (gnomAD). The available evidence is insufficient to determine the role of this variant in disease conclusively. Therefore, this variant is classified as a Variant of Uncertain Significance.

Ambry Genetics
Classification: Uncertain significance for Cardiovascular phenotype. Last evaluated: 2023-03-01. Review status: criteria provided, single submitter. Criteria: Ambry Variant Classification Scheme 2023. Collection method: clinical testing. Allele origin: germline.
Comment: The p.R1190H variant (also known as c.3569G>A), located in coding exon 32 of the MYBPC3 gene, results from a G to A substitution at nucleotide position 3569. The arginine at codon 1190 is replaced by histidine, an amino acid with highly similar properties. This variant has been detected in cases with left ventricular non-compaction cardiomyopathy; however, clinical details were limited (Miszalski-Jamka K et al. Circ Cardiovasc Genet, 2017 Aug;10; Mazzarotto F et al. Genet Med. 2021 May;23(5):856-864). This amino acid position is highly conserved in available vertebrate species. In addition, the in silico prediction for this alteration is inconclusive. Since supporting evidence is limited at this time, the clinical significance of this alteration remains unclear.

Revvity Omics, Revvity
Classification: Uncertain significance. Last evaluated: 2021-12-17. Review status: criteria provided, single submitter. Criteria: ACMG Guidelines, 2015. Collection method: clinical testing. Allele origin: germline.

Fulgent Genetics
Classification: Uncertain significance for Hypertrophic cardiomyopathy 4; Left ventricular noncompaction 10. Last evaluated: 2021-10-29. Review status: criteria provided, single submitter. Criteria: ACMG Guidelines, 2015. Collection method: clinical testing. Allele origin: unknown.

GeneDx
Classification: Uncertain significance. Last evaluated: 2020-03-20. Review status: criteria provided, single submitter. Criteria: GeneDx Variant Classification Process June 2021. Collection method: clinical testing. Allele origin: germline. Affected: yes.
Comment: In silico analysis supports that this missense variant has a deleterious effect on protein structure/function; Observed in one patient with left ventricular noncompaction cardiomyopathy in published literature, but familial segregation information and in vitro functional studies were not included (Miszalski-Jamka et al., 2017); This variant is associated with the following publications: (PMID: 22763267, 28798025)

Stanford Center for Inherited Cardiovascular Disease, Stanford University
Classification: Uncertain significance. Last evaluated: 2017-08-15. Review status: criteria provided, single submitter. Criteria: ACMG Guidelines, 2015. Collection method: provider interpretation. Allele origin: germline.

Laboratory for Molecular Medicine, Mass General Brigham Personalized Medicine
Classification: Uncertain significance. Last evaluated: 2008-05-23. Review status: no assertion criteria provided. Collection method: clinical testing. Allele origin: germline. Observed: 1 variant allele. Not counted in ClinVar's aggregate classification.

Literature cited by the submitters: PubMed 28798025 (cited by 5 submitters); PubMed 33500567 (cited by Labcorp Genetics (formerly Invitae), Labcorp and Ambry Genetics); PubMed 37466024 (cited by 4 submitters); PubMed 37937776 (cited by Labcorp Genetics (formerly Invitae), Labcorp); PubMed 29449720 (cited by Ambry Genetics).

NM_000256.3(MYBPC3):c.3569G>A (p.Arg1190His)

Gene: MYBPC3 (myosin binding protein C3; minus strand). Cytogenetic location: 11p11.2.
Variant type: single nucleotide variant.
Coding change: c.3569G>A on transcript NM_000256.3 (MANE Select); coding-DNA position 3569, G replaced by A.
Protein change: p.Arg1190His; replaces arginine 1190 with histidine.
Molecular consequence: missense variant.
Genome position (GRCh38, 1-based): chr11:47,332,624, C>T on the plus strand (G>A on the coding strand, the complement: MYBPC3 is on the minus strand). VCF-style: chr11-47332624-C-T. GRCh37 (hg19) VCF-style: chr11-47354175-C-T.
Other names: p.R1190H:CGC>CAC; short protein forms R1190H.
Identifiers: ClinVar variation 42722 (VCV000042722.34), dbSNP rs117354682, ClinGen allele CA014352.
Genomic context (GRCh38, chr11:47,332,624, plus strand): 5'-ACCTTGGGGCTACCCCGGACAGCACAGCAGAGCATAGCAGTGTAGCCCGCGATGACCGAG[C>T]GGTTCACCAGGGGCTGGGTGAAGCTTGGGGCCTCGGAGAAGTCCAGGGCCTTATAGTTGG-3'
Protein context (NP_000247.2, residues 1180-1200): APSFTQPLVN[Arg1190His]SVIAGYTAML